The following is an entry in ClinVar:

ClinVar aggregate classification (germline): Benign/Likely benign. Review status: criteria provided, multiple submitters, no conflicts (2 of 4 stars). 4 submissions from 4 submitters: Benign (1); Likely benign (3). Last evaluated 2025-06-24.

Conditions:
Oligodontia-cancer predisposition syndrome. Also called: TOOTH AGENESIS-COLORECTAL CANCER SYNDROME. Identifiers: Orphanet 300576, MedGen C1837750, MONDO:0012075, OMIM 608615. Disease mechanism: loss of function.
Hereditary cancer-predisposing syndrome. Also called: Hereditary Cancer Syndrome; Hereditary neoplastic syndrome; Neoplastic Syndromes, Hereditary; Tumor predisposition. Identifiers: Orphanet 140162, MedGen C0027672, MeSH D009386, MONDO:0015356.

Allele frequency attached by ClinVar (database versions not stated): gnomAD exomes 0.00001; TOPMed 0.00002.
gnomAD v4.1: 5 of 1,612,060 alleles (0.00031%); highest among the groups gnomAD compares: Admixed American, 0.0017%; no homozygotes.

Submissions (4):

Labcorp Genetics (formerly Invitae), Labcorp
Classification: Likely benign for Oligodontia-cancer predisposition syndrome. Last evaluated: 2025-06-24. Review status: criteria provided, single submitter. Criteria: Invitae Variant Classification Sherloc (09022015). Collection method: clinical testing. Allele origin: germline.

Myriad Genetics, Inc.
Classification: Benign for Oligodontia-cancer predisposition syndrome. Last evaluated: 2024-07-03. Review status: criteria provided, single submitter. Criteria: Myriad Autosomal Dominant, Autosomal Recessive and X-Linked Classification Criteria (2023). Collection method: clinical testing. Allele origin: unknown.
Comment: This variant is considered benign. This variant is a silent/synonymous amino acid change and it is not expected to impact splicing.

Ambry Genetics
Classification: Likely benign for Hereditary cancer-predisposing syndrome. Last evaluated: 2019-11-19. Review status: criteria provided, single submitter. Criteria: Ambry Variant Classification Scheme 2023. Collection method: clinical testing. Allele origin: germline.

GeneDx
Classification: Likely benign. Last evaluated: 2018-05-02. Review status: criteria provided, single submitter. Criteria: GeneDx Variant Classification Process June 2021. Collection method: clinical testing. Allele origin: germline. Affected: yes.

NM_004655.4(AXIN2):c.1482G>T (p.Pro494=)

Gene: AXIN2 (axin 2; minus strand). Cytogenetic location: 17q24.1.
Variant type: single nucleotide variant.
Coding change: c.1482G>T on transcript NM_004655.4 (MANE Select); coding-DNA position 1482, G replaced by T.
Protein change: p.Pro494=; no amino-acid change (proline 494 retained).
Molecular consequence: synonymous variant.
Genome position (GRCh38, 1-based): chr17:65,537,554, C>A on the plus strand (G>T on the coding strand, the complement: AXIN2 is on the minus strand). VCF-style: chr17-65537554-C-A. GRCh37 (hg19) VCF-style: chr17-63533672-C-A.
Other names: c.1482G>T, p.Pro494= (NM_001363813.1); c.1482G>T (LRG_296t1).
Identifiers: ClinVar variation 387040 (VCV000387040.14), dbSNP rs1057522677, ClinGen allele CA16607786.
Genomic context (GRCh38, chr17:65,537,554, plus strand): 5'-GACATGCTTCGTCGTCTGCTTGGTCACAAAGCCTTTGCCCCCGAGGAGGGGGCAGGCGCC[C>A]GGCGAGGCGGCCGCGGGAGGCAGCTTGCCACCGGGCGGGAGCAGGGAGTGGTACTGCGAA-3'
Protein context (NP_004646.3, residues 484-504): GGKLPPAAAS[Pro494=]GACPLLGGKG